The following is an entry in ClinVar:

NM_006734.4(HIVEP2):c.1934A>G (p.Tyr645Cys)

Gene: HIVEP2 (HIVEP zinc finger 2; minus strand). Cytogenetic location: 6q24.2.
Variant type: single nucleotide variant.
Coding change: c.1934A>G on transcript NM_006734.4 (MANE Select); coding-DNA position 1934, A replaced by G.
Protein change: p.Tyr645Cys; replaces tyrosine 645 with cysteine.
Molecular consequence: missense variant.
Genome position (GRCh38, 1-based): chr6:142,772,805, T>C on the plus strand (A>G on the coding strand, the complement: HIVEP2 is on the minus strand). VCF-style: chr6-142772805-T-C. GRCh37 (hg19) VCF-style: chr6-143093942-T-C.
Other names: short protein forms Y645C.
Identifiers: ClinVar variation 2519270 (VCV002519270.4), dbSNP rs964681171, ClinGen allele CA149019065.

ClinVar aggregate classification (germline): Uncertain significance. Review status: criteria provided, multiple submitters, no conflicts (2 of 4 stars). 2 submissions from 2 submitters: Uncertain significance (2). Last evaluated 2024-02-06.

Conditions:
Inborn genetic diseases. Identifiers: MedGen C0950123, MeSH D030342.

Allele frequency attached by ClinVar (database versions not stated): gnomAD exomes 0.00001; TOPMed 0.00001.
gnomAD v4.1: 22 of 1,614,180 alleles (0.0014%); highest among the groups gnomAD compares: Non-Finnish European, 0.0017%; no homozygotes.

Submissions (2):

Labcorp Genetics (formerly Invitae), Labcorp
Classification: Uncertain significance. Last evaluated: 2024-02-06. Review status: criteria provided, single submitter. Criteria: Invitae Variant Classification Sherloc (09022015). Collection method: clinical testing. Allele origin: germline.
Comment: This sequence change replaces tyrosine, which is neutral and polar, with cysteine, which is neutral and slightly polar, at codon 645 of the HIVEP2 protein (p.Tyr645Cys). This variant is present in population databases (no rsID available, gnomAD 0.0009%). This variant has not been reported in the literature in individuals affected with HIVEP2-related conditions. ClinVar contains an entry for this variant (Variation ID: 2519270). Advanced modeling of protein sequence and biophysical properties (such as structural, functional, and spatial information, amino acid conservation, physicochemical variation, residue mobility, and thermodynamic stability) performed at Invitae indicates that this missense variant is not expected to disrupt HIVEP2 protein function with a negative predictive value of 80%. In summary, the available evidence is currently insufficient to determine the role of this variant in disease. Therefore, it has been classified as a Variant of Uncertain Significance.

Ambry Genetics
Classification: Uncertain significance for Inborn genetic diseases. Last evaluated: 2023-04-08. Review status: criteria provided, single submitter. Criteria: Ambry Variant Classification Scheme 2023. Collection method: clinical testing. Allele origin: germline.